The following is an entry in ClinVar:

ClinVar aggregate classification (germline): Pathogenic (1 of 4 stars; one submission).

Conditions:
Peroxisome biogenesis disorder. Identifiers: Orphanet 79189, MedGen C1832200, MONDO:0019234. Disease mechanism: loss of function.

Submission:

Myriad Genetics, Inc.
Classification: Pathogenic for Peroxisome biogenesis disorder. Last evaluated: 2025-05-17. Review status: criteria provided, single submitter. Criteria: Myriad Autosomal Dominant, Autosomal Recessive and X-Linked Classification Criteria (2023). Collection method: clinical testing. Allele origin: unknown.
Comment: NM_000466.2(PEX1):c.1218delT(L407Sfs*12) is expected to be pathogenic in the context of peroxisome biogenesis disorder type 1. This variant is predicted to lead to an abnormal or absent protein product due to the creation of a premature termination codon in PEX1, a gene where loss-of-function variants are known to be pathogenic. Please note: this variant was assessed in the context of healthy population screening.

NM_000466.3(PEX1):c.1218del (p.Leu407fs)

Gene: PEX1 (peroxisomal biogenesis factor 1; minus strand). Cytogenetic location: 7q21.2.
Variant type: Deletion.
Coding change: c.1218del on transcript NM_000466.3 (MANE Select); coding-DNA position 1218, one base deleted (T; older notation c.1218delT).
Protein change: p.Leu407fs; shifts the reading frame from leucine 407.
Molecular consequence: frameshift variant.
Genome position (GRCh38, 1-based): chr7:92,517,297, A deleted on the plus strand (T on the coding strand, the reverse complement: PEX1 is on the minus strand); the first of 2 consecutive A bases (chr7:92,517,297-92,517,298); deleting either gives the same sequence. VCF-style (leftmost placement, unchanged base first): chr7-92517296-GA-G. GRCh37 (hg19) VCF-style: chr7-92146610-GA-G.
Other names: c.1218del, p.Leu407fs (NM_001282677.2); c.594del, p.Leu199fs (NM_001282678.2); short protein forms L199fs, L407fs.
Identifiers: ClinVar variation 5014454 (VCV005014454.1).